The following is an entry in ClinVar:

ClinVar aggregate classification (germline): Conflicting classifications of pathogenicity. Review status: criteria provided, conflicting classifications (1 of 4 stars). 6 submissions from 6 submitters: Uncertain significance (4); Likely benign (2). Last evaluated 2026-04-15.

Conditions:
ANK2-related disorder. Also called: ANK2-related condition.
Cardiovascular phenotype. Identifiers: MedGen CN230736.
Long QT syndrome (LQTS). Identifiers: MedGen C0023976, MeSH D008133, MONDO:0002442. Disease mechanism: loss of function. Inheritance: Various modes of inheritance.
Cardiac arrhythmia, ankyrin-B-related. Also called: ANKYRIN-B SYNDROME. Identifiers: Orphanet 101016, Orphanet 768, MedGen C1970119, MONDO:0010958, OMIM 600919.

Allele frequency attached by ClinVar (database versions not stated): gnomAD exomes 0.00007; ExAC 0.00010; ESP Exome Variant Server 0.00015; gnomAD 0.00017 and 0.00018; TOPMed 0.00019; 1000 Genomes Project 0.00040; 1000 Genomes Project 30x 0.00047.
gnomAD v4.1: 60 of 1,613,752 alleles (0.0037%); highest among the groups gnomAD compares: African/African-American, 0.053%; 1 homozygote.

Submissions (6):

PreventionGenetics, part of Exact Sciences
Classification: Likely benign for ANK2-related condition. Last evaluated: 2026-04-15. Review status: criteria provided, single submitter. Criteria: ACMG Guidelines, 2015. Collection method: clinical testing. Allele origin: germline.
Comment: This variant is classified as likely benign based on ACMG/AMP sequence variant interpretation guidelines (Richards et al. 2015 PMID: 25741868, with internal and published modifications).

Labcorp Genetics (formerly Invitae), Labcorp
Classification: Uncertain significance for Long QT syndrome. Last evaluated: 2025-12-22. Review status: criteria provided, single submitter. Criteria: Invitae Variant Classification Sherloc (09022015). Collection method: clinical testing. Allele origin: germline.
Comment: This sequence change replaces arginine, which is basic and polar, with cysteine, which is neutral and slightly polar, at codon 946 of the ANK2 protein (p.Arg946Cys). This variant is present in population databases (rs200524407, gnomAD 0.06%), and has an allele count higher than expected for a pathogenic variant. This missense change has been observed in individual(s) with neurodevelopmental disorder (PMID: 33004838). This variant is also known as p.Arg978Cys. ClinVar contains an entry for this variant (Variation ID: 406486). An algorithm developed to predict the effect of missense changes on protein structure and function (PolyPhen-2) suggests that this variant is likely to be disruptive. In summary, the available evidence is currently insufficient to determine the role of this variant in disease. Therefore, it has been classified as a Variant of Uncertain Significance.

GeneDx
Classification: Uncertain significance. Last evaluated: 2024-12-18. Review status: criteria provided, single submitter. Criteria: GeneDx Variant Classification Process June 2021. Collection method: clinical testing. Allele origin: germline.
Comment: In silico analysis supports that this missense variant has a deleterious effect on protein structure/function; Reported in two patients with neurodevelopmental disorders; however, detailed clinical information was not provided (PMID: 33004838); This variant is associated with the following publications: (PMID: 33004838)

Mayo Clinic Laboratories, Mayo Clinic
Classification: Uncertain significance. Last evaluated: 2024-07-31. Review status: criteria provided, single submitter. Criteria: ACMG Guidelines, 2015. Collection method: clinical testing. Allele origin: germline. Observed: 1 variant allele.
Comment: BS1, BS2_supporting

Ambry Genetics
Classification: Likely benign for Cardiovascular phenotype. Last evaluated: 2022-09-22. Review status: criteria provided, single submitter. Criteria: Ambry Variant Classification Scheme 2023. Collection method: clinical testing. Allele origin: germline.

Fulgent Genetics
Classification: Uncertain significance for Cardiac arrhythmia, ankyrin-B-related. Last evaluated: 2021-09-14. Review status: criteria provided, single submitter. Criteria: ACMG Guidelines, 2015. Collection method: clinical testing. Allele origin: unknown.

Literature cited by the submitters: PubMed 33004838 (cited by Labcorp Genetics (formerly Invitae), Labcorp and Mayo Clinic Laboratories, Mayo Clinic).

NM_001148.6(ANK2):c.2836C>T (p.Arg946Cys)

Gene: ANK2 (ankyrin 2; plus strand). Cytogenetic location: 4q26.
Variant type: single nucleotide variant.
Coding change: c.2836C>T on transcript NM_001148.6 (MANE Select); coding-DNA position 2836, C replaced by T.
Protein change: p.Arg946Cys; replaces arginine 946 with cysteine.
Molecular consequence: missense variant.
Genome position (GRCh38, 1-based): chr4:113,318,556, C>T. VCF-style: chr4-113318556-C-T. GRCh37 (hg19) VCF-style: chr4-114239712-C-T.
Other names: p.Arg946Cys; c.2737C>T, p.Arg913Cys (NM_001354245.2, NM_001354268.2); c.2833C>T, p.Arg945Cys (NM_001354246.2, NM_001354235.2, NM_001354236.2 and 1 more transcripts); c.2749C>T, p.Arg917Cys (NM_001354249.2, NM_001354276.2, NM_001386149.1 and 7 more transcripts); c.2770C>T, p.Arg924Cys (NM_001354252.2, NM_001354256.2, NM_001354272.2 and 3 more transcripts); c.2674C>T, p.Arg892Cys (NM_001354253.2, NM_001354257.2, NM_001354270.2 and 1 more transcripts); c.2785C>T, p.Arg929Cys (NM_001354254.2); c.2773C>T, p.Arg925Cys (NM_001354255.2, NM_001354275.2, NM_001127493.3 and 3 more transcripts); and 19 more; short protein forms R925C, R946C, R155C, R875C, R884C, R917C, R929C, R961C.
Identifiers: ClinVar variation 406486 (VCV000406486.12), dbSNP rs200524407, ClinGen allele CA3050683.